The following is an entry in ClinVar:

ClinVar aggregate classification (germline): Likely benign. Review status: criteria provided, multiple submitters, no conflicts (2 of 4 stars). 3 submissions from 3 submitters: Likely benign (3). Last evaluated 2026-05-01.

Allele frequency attached by ClinVar (database versions not stated): ExAC 0.00015; 1000 Genomes Project 30x 0.00016; ESP Exome Variant Server 0.00016; gnomAD 0.00016; gnomAD exomes 0.00016 and 0.00029; TOPMed 0.00017.
gnomAD v4.1: 434 of 1,595,200 alleles (0.027%); highest among the groups gnomAD compares: Non-Finnish European, 0.035%; no homozygotes.

Submissions (3):

CeGaT Center for Human Genetics Tuebingen
Classification: Likely benign. Last evaluated: 2026-05-01. Review status: criteria provided, single submitter. Criteria: CeGaT Center For Human Genetics Tuebingen Variant Classification Criteria Version 2. Collection method: clinical testing. Allele origin: germline. Affected: yes. Observed: 2 variant alleles.
Comment: PRR12: BP4, BP7

Blueprint Genetics
Classification: Likely benign. Last evaluated: 2024-10-14. Review status: criteria provided, single submitter. Criteria: ACMG Guidelines, 2015. Collection method: clinical testing. Allele origin: germline.

Labcorp Genetics (formerly Invitae), Labcorp
Classification: Likely benign. Last evaluated: 2018-04-16. Review status: criteria provided, single submitter. Criteria: Invitae Variant Classification Sherloc (09022015). Collection method: clinical testing. Allele origin: germline.

NM_020719.3(PRR12):c.3963C>T (p.Gly1321=)

Gene: PRR12 (proline rich 12; plus strand). Cytogenetic location: 19q13.33.
Variant type: single nucleotide variant.
Coding change: c.3963C>T on transcript NM_020719.3 (MANE Select); coding-DNA position 3963, C replaced by T.
Protein change: p.Gly1321=; no amino-acid change (glycine 1321 retained).
Molecular consequence: synonymous variant.
Genome position (GRCh38, 1-based): chr19:49,599,556, C>T. VCF-style: chr19-49599556-C-T. GRCh37 (hg19) VCF-style: chr19-50102813-C-T.
Identifiers: ClinVar variation 730515 (VCV000730515.11), dbSNP rs367748904, ClinGen allele CA9578391.